The following is an entry in ClinVar:

ClinVar aggregate classification (germline): Uncertain significance. Review status: criteria provided, multiple submitters, no conflicts (2 of 4 stars). 2 submissions from 2 submitters: Uncertain significance (2). Last evaluated 2025-09-20.

Conditions:
Hereditary cancer-predisposing syndrome. Also called: Tumor predisposition; Neoplastic Syndromes, Hereditary; Hereditary Cancer Syndrome; Hereditary neoplastic syndrome. Identifiers: Orphanet 140162, MedGen C0027672, MeSH D009386, MONDO:0015356.

Submissions (2):

Labcorp Genetics (formerly Invitae), Labcorp
Classification: Uncertain significance. Last evaluated: 2025-09-20. Review status: criteria provided, single submitter. Criteria: Invitae Variant Classification Sherloc (09022015). Collection method: clinical testing. Allele origin: germline.
Comment: This sequence change replaces methionine, which is neutral and non-polar, with valine, which is neutral and non-polar, at codon 1068 of the POLE protein (p.Met1068Val). This variant is not present in population databases (gnomAD no frequency). This variant has not been reported in the literature in individuals affected with POLE-related conditions. ClinVar contains an entry for this variant (Variation ID: 1728834). Invitae Evidence Modeling of protein sequence and biophysical properties (such as structural, functional, and spatial information, amino acid conservation, physicochemical variation, residue mobility, and thermodynamic stability) indicates that this missense variant is not expected to disrupt POLE protein function with a negative predictive value of 80%. In summary, the available evidence is currently insufficient to determine the role of this variant in disease. Therefore, it has been classified as a Variant of Uncertain Significance.

Ambry Genetics
Classification: Uncertain significance for Hereditary cancer-predisposing syndrome. Last evaluated: 2021-10-11. Review status: criteria provided, single submitter. Criteria: Ambry Variant Classification Scheme 2023. Collection method: clinical testing. Allele origin: germline.
Comment: The p.M1068V variant (also known as c.3202A>G), located in coding exon 26 of the POLE gene, results from an A to G substitution at nucleotide position 3202. The methionine at codon 1068 is replaced by valine, an amino acid with highly similar properties. This amino acid position is conserved. In addition, the in silico prediction for this alteration is inconclusive. Since supporting evidence is limited at this time, the clinical significance of this alteration remains unclear.

NM_006231.4(POLE):c.3202A>G (p.Met1068Val)

Gene: POLE (DNA polymerase epsilon, catalytic subunit; minus strand). Cytogenetic location: 12q24.33.
Variant type: single nucleotide variant.
Coding change: c.3202A>G on transcript NM_006231.4 (MANE Select); coding-DNA position 3202, A replaced by G.
Protein change: p.Met1068Val; replaces methionine 1068 with valine.
Molecular consequence: missense variant.
Genome position (GRCh38, 1-based): chr12:132,659,368, T>C on the plus strand (A>G on the coding strand, the complement: POLE is on the minus strand). VCF-style: chr12-132659368-T-C. GRCh37 (hg19) VCF-style: chr12-133235954-T-C.
Other names: short protein forms M1068V.
Identifiers: ClinVar variation 1728834 (VCV001728834.3), dbSNP rs2138675792, ClinGen allele CA387390557.
Genomic context (GRCh38, chr12:132,659,368, plus strand): 5'-GGGAGCCCTCGGGCTTGCGGGAGATGATGTAGCGGCAACTCAGCCCTGCATCCTTGACCA[T>C]CTGGTCTCCCAGGAACTCGGCCAGGCGCTTTGCTGTGCTGATGGACGTAGACTTCTGCTC-3'
Protein context (NP_006222.2, residues 1058-1078): KRLAEFLGDQ[Met1068Val]VKDAGLSCRY